The following is an entry in ClinVar:

ClinVar aggregate classification (germline): Likely pathogenic. Review status: reviewed by expert panel (3 of 4 stars). 3 submissions from 3 submitters: Likely pathogenic (1). 2 of the submissions do not count toward it. Last evaluated 2024-07-29.

Conditions:
T-cell lymphopenia, infantile, with or without nail dystrophy, autosomal dominant. Identifiers: Orphanet 676039, MedGen C5394133, MONDO:0032928, OMIM 618806.
T-cell immunodeficiency, congenital alopecia, and nail dystrophy. Also called: Congenital alopecia and nail dystrophy associated with severe functional T-cell immunodeficiency; Pignata Guarino syndrome. Identifiers: Orphanet 169095, MedGen C1866426, MONDO:0011132, OMIM 601705.

Submissions (3):

ClinGen Severe Combined Immunodeficiency Variant Curation Expert Panel, ClinGen
Classification: Likely pathogenic for T-cell immunodeficiency, congenital alopecia, and nail dystrophy. Last evaluated: 2024-07-29. Review status: reviewed by expert panel. Criteria: ClinGen SCID ACMG Specifications FOXN1 V1.0.0. Collection method: curation. Allele origin: germline. Inheritance: Semidominant inheritance.
Comment: The NM_001369369.1(FOXN1):c.907del (p.Glu303SerfsTer?) frameshift variant in exon 6 results in a premature stop codon in the final exon (exon 9) at codon 549. It is not predicted to cause NMD but would truncate 15% of the protein, including most of the transactivation domain which is critical to protein function (PVS1_Strong). This variant is absent from gnomADv2.1.1 (PM2_supporting). It was detected heterozygous in P2 (PMID: 31447097) with nail dystrophy and T lymphopenia, CD3 992 cells/ul [nv:2500-5500], CD4 595 cells/ul [nv:1660-4000], CD8 368 cells/ul [nv:560-1700] (PP4). In summary this variant meets criteria to be classified as likely pathogenic for semidominant T-cell immunodeficiency, congenital alopecia, and nail dystrophy due to FOXN1 deficiency based on the ACMG/AMP criteria applied: PVS1_strong, PM2_supporting, and PP4 as specified by the ClinGen SCID VCEP FOXN1 subgroup.

GeneDx
Classification: Uncertain significance. Last evaluated: 2016-12-22. Review status: criteria provided, single submitter. Criteria: GeneDx Variant Classification (06012015). Collection method: clinical testing. Allele origin: germline. Affected: yes. Not counted in ClinVar's aggregate classification.
Comment: The c.907delG variant has not been published as a pathogenic variant, nor has it been reported as a benign variant to our knowledge. The c.907delG variant causes a frameshift starting with codon Glutamic acid 303, changes this amino acid to a Serine residue and creates a premature Stop codon at position 247 of the new reading frame, denoted p.Glu303SerfsX247. This variant is predicted to cause loss of normal protein function through protein truncation, as the final 346 amino acids are replaced with 246 incorrect amino acids. The variant was not observed in approximately 6,500 individuals of European and African American ancestry in the NHLBI Exome Sequencing Project, indicating it is not a common benign variant in these populations. However, variants in FOXN1 are rare, with only one other frameshift variant reported in the Human Gene Mutation Database in association with severe combined immunodeficiency (Stenson et al., 2014). Therefore, based on the currently available information, it is unclear whether this variant is a pathogenic variant or a rare benign variant.

OMIM
Classification: Pathogenic for T-CELL LYMPHOPENIA, INFANTILE, WITH OR WITHOUT NAIL DYSTROPHY, AUTOSOMAL DOMINANT. Last evaluated: 2020-11-11. Review status: no assertion criteria provided. Collection method: literature only. Allele origin: germline. Not counted in ClinVar's aggregate classification.

Literature cited by the submitters: PubMed 31447097 (cited by OMIM).

NM_001369369.1(FOXN1):c.907del (p.Glu303fs)

Gene: FOXN1 (forkhead box N1; plus strand). Cytogenetic location: 17q11.2.
Variant type: Deletion.
Coding change: c.907del on transcript NM_001369369.1 (MANE Select); coding-DNA position 907, one base deleted (G; older notation c.907delG).
Protein change: p.Glu303fs; shifts the reading frame from glutamic acid 303.
Molecular consequence: frameshift variant.
Genome position (GRCh38, 1-based): chr17:28,530,825, G deleted; the last of 2 consecutive G bases (chr17:28,530,824-28,530,825); deleting either gives the same sequence. VCF-style (leftmost placement, unchanged base first): chr17-28530823-CG-C. GRCh37 (hg19) VCF-style: chr17-26857841-CG-C.
Other names: NM_001369369.1(FOXN1):c.907del; p.Glu303fs; c.907del, p.Glu303fs (NM_003593.3); c.907delG (NM_003593.2); short protein forms E303fs.
Identifiers: ClinVar variation 422945 (VCV000422945.6), dbSNP rs1064796115, ClinGen allele CA16620349.